The following is an entry in ClinVar:

NM_144997.7(FLCN):c.1280C>G (p.Pro427Arg)

Gene: FLCN (folliculin; minus strand). Cytogenetic location: 17p11.2.
Variant type: single nucleotide variant.
Coding change: c.1280C>G on transcript NM_144997.7 (MANE Select); coding-DNA position 1280, C replaced by G.
Protein change: p.Pro427Arg; replaces proline 427 with arginine.
Molecular consequence: missense variant.
Genome position (GRCh38, 1-based): chr17:17,216,400, G>C on the plus strand (C>G on the coding strand, the complement: FLCN is on the minus strand). VCF-style: chr17-17216400-G-C. GRCh37 (hg19) VCF-style: chr17-17119714-G-C.
Other names: c.1334C>G, p.Pro445Arg (NM_001353229.2); c.1280C>G, p.Pro427Arg (NM_001353230.2, NM_001353231.2); short protein forms P427R, P445R.
Identifiers: ClinVar variation 3515605 (VCV003515605.2).

ClinVar aggregate classification (germline): Uncertain significance. Review status: criteria provided, multiple submitters, no conflicts (2 of 4 stars). 2 submissions from 2 submitters: Uncertain significance (2). Last evaluated 2025-06-29.

Conditions:
Hereditary cancer-predisposing syndrome. Also called: Hereditary Cancer Syndrome; Hereditary neoplastic syndrome; Neoplastic Syndromes, Hereditary; Tumor predisposition. Identifiers: Orphanet 140162, MedGen C0027672, MeSH D009386, MONDO:0015356.
Birt-Hogg-Dube syndrome. Also called: Birt Hogg Dubé syndrome. Identifiers: Orphanet 122, MedGen C0346010, MONDO:0800444.

gnomAD v4.1: 2 of 1,613,650 alleles (0.00012%); highest among the groups gnomAD compares: Non-Finnish European, 0.00017%; no homozygotes.

Submissions (2):

Labcorp Genetics (formerly Invitae), Labcorp
Classification: Uncertain significance for Birt-Hogg-Dube syndrome. Last evaluated: 2025-06-29. Review status: criteria provided, single submitter. Criteria: Invitae Variant Classification Sherloc (09022015). Collection method: clinical testing. Allele origin: germline.
Comment: This sequence change replaces proline, which is neutral and non-polar, with arginine, which is basic and polar, at codon 427 of the FLCN protein (p.Pro427Arg). This variant is not present in population databases (gnomAD no frequency). This variant has not been reported in the literature in individuals affected with FLCN-related conditions. ClinVar contains an entry for this variant (Variation ID: 3515605). Invitae Evidence Modeling of protein sequence and biophysical properties (such as structural, functional, and spatial information, amino acid conservation, physicochemical variation, residue mobility, and thermodynamic stability) indicates that this missense variant is expected to disrupt FLCN protein function with a positive predictive value of 80%. In summary, the available evidence is currently insufficient to determine the role of this variant in disease. Therefore, it has been classified as a Variant of Uncertain Significance.

Ambry Genetics
Classification: Uncertain significance for Hereditary cancer-predisposing syndrome. Last evaluated: 2024-08-17. Review status: criteria provided, single submitter. Criteria: Ambry Variant Classification Scheme 2023. Collection method: clinical testing. Allele origin: germline.
Comment: The p.P427R variant (also known as c.1280C>G), located in coding exon 8 of the FLCN gene, results from a C to G substitution at nucleotide position 1280. The proline at codon 427 is replaced by arginine, an amino acid with dissimilar properties. This amino acid position is conserved. In addition, this alteration is predicted to be deleterious by in silico analysis. Based on the available evidence, the clinical significance of this variant remains unclear.